The following is an entry in ClinVar:

NM_002227.4(JAK1):c.2115+1G>A

Gene: JAK1 (Janus kinase 1; minus strand). Cytogenetic location: 1p31.3.
Variant type: single nucleotide variant.
Coding change: c.2115+1G>A on transcript NM_002227.4 (MANE Select); the canonical splice donor site of the intron after coding-DNA position 2115, G replaced by A.
Molecular consequence: splice donor variant.
Genome position (GRCh38, 1-based): chr1:64,845,512, C>T on the plus strand (G>A on the coding strand, the complement: JAK1 is on the minus strand). VCF-style: chr1-64845512-C-T. GRCh37 (hg19) VCF-style: chr1-65311195-C-T.
Other names: c.2115+1G>A (NM_001321852.2, NM_001321854.2, NM_001321853.2 and 3 more transcripts); c.2112+1G>A (NM_001321857.2).
Identifiers: ClinVar variation 2018225 (VCV002018225.4), dbSNP rs2100999949, ClinGen allele CA340667300.

ClinVar aggregate classification (germline): Uncertain significance (1 of 4 stars; one submission).

Submission:

Labcorp Genetics (formerly Invitae), Labcorp
Classification: Uncertain significance. Last evaluated: 2022-07-19. Review status: criteria provided, single submitter. Criteria: Invitae Variant Classification Sherloc (09022015). Collection method: clinical testing. Allele origin: germline.
Comment: This sequence change affects a donor splice site in intron 15 of the JAK1 gene. It is expected to disrupt RNA splicing. Variants that disrupt the donor or acceptor splice site typically lead to a loss of protein function (PMID: 16199547), however the current clinical and genetic evidence is not sufficient to establish whether loss-of-function variants in JAK1 cause disease. In summary, the available evidence is currently insufficient to determine the role of this variant in disease. Therefore, it has been classified as a Variant of Uncertain Significance. Algorithms developed to predict the effect of sequence changes on RNA splicing suggest that this variant may disrupt the consensus splice site. This variant has not been reported in the literature in individuals affected with JAK1-related conditions. This variant is not present in population databases (gnomAD no frequency).

Literature cited by the submitters: PubMed 16199547.